The following is an entry in ClinVar:

NM_000104.4(CYP1B1):c.487C>T (p.Arg163Cys)

Gene: CYP1B1 (cytochrome P450 family 1 subfamily B member 1; minus strand). Cytogenetic location: 2p22.2.
Variant type: single nucleotide variant.
Coding change: c.487C>T on transcript NM_000104.4 (MANE Select); coding-DNA position 487, C replaced by T.
Protein change: p.Arg163Cys; replaces arginine 163 with cysteine.
Molecular consequence: missense variant.
Genome position (GRCh38, 1-based): chr2:38,074,902, G>A on the plus strand (C>T on the coding strand, the complement: CYP1B1 is on the minus strand). VCF-style: chr2-38074902-G-A. GRCh37 (hg19) VCF-style: chr2-38302045-G-A.
Other names: short protein forms R163C.
Identifiers: ClinVar variation 96700 (VCV000096700.7), dbSNP rs104894978, ClinGen allele CA267224.

ClinVar aggregate classification (germline): Uncertain significance. Review status: criteria provided, multiple submitters, no conflicts (2 of 4 stars). 3 submissions from 3 submitters: Uncertain significance (2). 1 of the submissions does not count toward it. Last evaluated 2024-01-12.

Conditions:
Congenital glaucoma. Identifiers: MedGen C0020302, MONDO:0020366.
Glaucoma 3A. Also called: Glaucoma 3, primary congenital, A. Identifiers: Orphanet 98976, Orphanet 98977, MedGen C1856439, MONDO:0009277, OMIM 231300.

Allele frequency attached by ClinVar (database versions not stated): gnomAD exomes 0.00004; ExAC 0.00013; gnomAD 0.00015 and 0.00016; TOPMed 0.00026.

Submissions (3):

Women's Health and Genetics/Laboratory Corporation of America, LabCorp
Classification: Uncertain significance. Last evaluated: 2024-01-12. Review status: criteria provided, single submitter. Criteria: LabCorp Variant Classification Summary - May 2015. Collection method: clinical testing. Allele origin: germline.
Comment: Variant summary: CYP1B1 c.487C>T (p.Arg163Cys) results in a non-conservative amino acid change in the encoded protein sequence. Three of five in-silico tools predict a damaging effect of the variant on protein function. The variant allele was found at a frequency of 4e-05 in 148586 control chromosomes (gnomAD). The available data on variant occurrences in the general population are insufficient to allow any conclusion about variant significance. c.487C>T has been reported in the literature in at-least one individual affected with Primary Congenital Glaucoma (example: Hilal_2010). This report does not provide unequivocal conclusions about association of the variant with Primary Congenital Glaucoma. To our knowledge, no experimental evidence demonstrating an impact on protein function has been reported. The following publications have been ascertained in the context of this evaluation (PMID: 20664688, 31453292). ClinVar contains an entry for this variant (Variation ID: 96700). Based on the evidence outlined above, the variant was classified as uncertain significance.

Labcorp Genetics (formerly Invitae), Labcorp
Classification: Uncertain significance for Congenital glaucoma. Last evaluated: 2022-10-05. Review status: criteria provided, single submitter. Criteria: Invitae Variant Classification Sherloc (09022015). Collection method: clinical testing. Allele origin: germline.
Comment: This sequence change replaces arginine, which is basic and polar, with cysteine, which is neutral and slightly polar, at codon 163 of the CYP1B1 protein (p.Arg163Cys). This variant is present in population databases (rs104894978, gnomAD 0.008%). This missense change has been observed in individual(s) with primary congenital glacuoma (PMID: 20664688). ClinVar contains an entry for this variant (Variation ID: 96700). Advanced modeling of protein sequence and biophysical properties (such as structural, functional, and spatial information, amino acid conservation, physicochemical variation, residue mobility, and thermodynamic stability) performed at Invitae indicates that this missense variant is not expected to disrupt CYP1B1 protein function. In summary, the available evidence is currently insufficient to determine the role of this variant in disease. Therefore, it has been classified as a Variant of Uncertain Significance.

Laboratoire de Génétique et de Physiologie Neuroendocrinienne, Faculté des Sciences
No classification provided. Condition: Glaucoma, congenital. Review status: no classification provided. Collection method: not provided. Allele origin: germline. Not counted in ClinVar's aggregate classification.
Comment: test comment 1

Literature cited by the submitters: PubMed 20664688 (cited by Women's Health and Genetics/Laboratory Corporation of America, LabCorp and Labcorp Genetics (formerly Invitae), Labcorp); PubMed 31453292 (cited by Women's Health and Genetics/Laboratory Corporation of America, LabCorp).